The following is an entry in ClinVar:

ClinVar aggregate classification (germline): Uncertain significance. Review status: criteria provided, multiple submitters, no conflicts (2 of 4 stars). 2 submissions from 2 submitters: Uncertain significance (2). Last evaluated 2022-01-05.

Allele frequency attached by ClinVar (database versions not stated): gnomAD exomes 0.00001; TOPMed 0.00004.
gnomAD v4.1: 12 of 1,547,952 alleles (0.00078%); highest among the groups gnomAD compares: Middle Eastern, 0.017%; no homozygotes.

Submissions (2):

GeneDx
Classification: Uncertain significance. Last evaluated: 2022-01-05. Review status: criteria provided, single submitter. Criteria: GeneDx Variant Classification Process June 2021. Collection method: clinical testing. Allele origin: germline. Affected: yes.
Comment: In silico analysis supports that this missense variant has a deleterious effect on protein structure/function; Has not been previously published as pathogenic or benign to our knowledge

Labcorp Genetics (formerly Invitae), Labcorp
Classification: Uncertain significance. Last evaluated: 2021-07-04. Review status: criteria provided, single submitter. Criteria: Invitae Variant Classification Sherloc (09022015). Collection method: clinical testing. Allele origin: germline.
Comment: This sequence change replaces proline with leucine at codon 1121 of the CRB2 protein (p.Pro1121Leu). The proline residue is moderately conserved and there is a moderate physicochemical difference between proline and leucine. The frequency data for this variant in the population databases is considered unreliable, as metrics indicate poor data quality at this position in the ExAC database. In summary, the available evidence is currently insufficient to determine the role of this variant in disease. Therefore, it has been classified as a Variant of Uncertain Significance. Advanced modeling of protein sequence and biophysical properties (such as structural, functional, and spatial information, amino acid conservation, physicochemical variation, residue mobility, and thermodynamic stability) performed at Invitae indicates that this missense variant is not expected to disrupt CRB2 protein function. This variant has not been reported in the literature in individuals affected with CRB2-related conditions.

NM_173689.7(CRB2):c.3362C>T (p.Pro1121Leu)

Gene: CRB2 (crumbs cell polarity complex component 2; plus strand). Cytogenetic location: 9q33.3.
Variant type: single nucleotide variant.
Coding change: c.3362C>T on transcript NM_173689.7 (MANE Select); coding-DNA position 3362, C replaced by T.
Protein change: p.Pro1121Leu; replaces proline 1121 with leucine.
Molecular consequence: missense variant. On other transcripts: non-coding transcript variant (1).
Genome position (GRCh38, 1-based): chr9:123,373,893, C>T. VCF-style: chr9-123373893-C-T. GRCh37 (hg19) VCF-style: chr9-126136172-C-T.
Other names: short protein forms P1121L.
Identifiers: ClinVar variation 1375289 (VCV001375289.9), dbSNP rs753503336, ClinGen allele CA5232426.